The following is an entry in ClinVar:

NM_003242.6(TGFBR2):c.628A>G (p.Met210Val)

Gene: TGFBR2 (transforming growth factor beta receptor 2; plus strand). Cytogenetic location: 3p24.1.
Variant type: single nucleotide variant.
Coding change: c.628A>G on transcript NM_003242.6 (MANE Select); coding-DNA position 628, A replaced by G.
Protein change: p.Met210Val; replaces methionine 210 with valine.
Molecular consequence: missense variant. On other transcripts: intron variant (1).
Genome position (GRCh38, 1-based): chr3:30,671,811, A>G. VCF-style: chr3-30671811-A-G. GRCh37 (hg19) VCF-style: chr3-30713303-A-G.
Other names: c.703A>G, p.Met235Val (NM_001024847.3); c.811A>G, p.Met271Val (NM_001407126.1); c.736A>G, p.Met246Val (NM_001407127.1); c.655A>G, p.Met219Val (NM_001407128.1); c.631A>G, p.Met211Val (NM_001407129.1); c.628A>G, p.Met210Val (NM_001407130.1); c.523A>G, p.Met175Val (NM_001407132.1, NM_001407133.1, NM_001407134.1 and 2 more transcripts); c.343A>G, p.Met115Val (NM_001407137.1); and 2 more; short protein forms M115V, M175V, M210V, M211V, M219V, M235V, M246V, M271V.
Identifiers: ClinVar variation 3071336 (VCV003071336.1), dbSNP rs763709160, ClinGen allele CA049440.

ClinVar aggregate classification (germline): Uncertain significance (1 of 4 stars; one submission).

Conditions:
Loeys-Dietz syndrome 2 (LDS2). Also called: TGFBR2-Related Loeys-Dietz Syndrome; AORTIC ANEURYSM, FAMILIAL THORACIC 3; MARFAN SYNDROME, TYPE II; Marfan syndrome, type 2 (formerly); Marfan Syndrome type 2; Marfan like connective tissue disorder. Identifiers: Orphanet 284973, Orphanet 558, MedGen C2674574, MONDO:0012427, OMIM 610168.

Allele frequency attached by ClinVar (database versions not stated): gnomAD exomes below 0.00001; ExAC 0.00002.
gnomAD v4.1: 6 of 1,614,204 alleles (0.00037%); highest among the groups gnomAD compares: African/African-American, 0.0027%; no homozygotes.

Submission:

All of Us Research Program, National Institutes of Health
Classification: Uncertain significance for Loeys-Dietz syndrome 2. Last evaluated: 2023-05-30. Review status: criteria provided, single submitter. Criteria: ACMG Guidelines, 2015. Collection method: clinical testing. Allele origin: germline. Inheritance: Autosomal dominant inheritance. Observed: 1 variant allele, 1 heterozygote.
Comment: This missense variant replaces methionine with valine at codon 210 of the TGFBR2 protein. Computational prediction suggests that this variant may not impact protein structure and function (internally defined REVEL score threshold <= 0.5, PMID: 27666373). To our knowledge, functional studies have not been reported for this variant. This variant has not been reported in individuals affected with TGFBR2-related disorders in the literature. This variant has been identified in 2/251140 chromosomes in the general population by the Genome Aggregation Database (gnomAD). The available evidence is insufficient to determine the role of this variant in disease conclusively. Therefore, this variant is classified as a Variant of Uncertain Significance.

This study involves interpretation of variants in research participants for the purpose of population health screening. Participant phenotype was not available at the time of variant classification. Additional details can be found in publication PMID: 35346344, PMCID: PMC8962531